The following is an entry in ClinVar:

ClinVar aggregate classification (germline): Pathogenic (1 of 4 stars; one submission).

Conditions:
Multiple sulfatase deficiency (MSD). Also called: Mucosulfatidosis; Multiple Sulfatase Deficiency Disease; Sulfatidosis, Juvenile, Austin Type. Identifiers: Orphanet 585, MedGen C0268263, MONDO:0010088, OMIM 272200.

Submission:

Labcorp Genetics (formerly Invitae), Labcorp
Classification: Pathogenic for Multiple sulfatase deficiency. Last evaluated: 2021-12-30. Review status: criteria provided, single submitter. Criteria: Invitae Variant Classification Sherloc (09022015). Collection method: clinical testing. Allele origin: germline.
Comment: For these reasons, this variant has been classified as Pathogenic. This variant has not been reported in the literature in individuals affected with SUMF1-related conditions. This variant is not present in population databases (gnomAD no frequency). This sequence change creates a premature translational stop signal (p.Pro191Glnfs*77) in the SUMF1 gene. It is expected to result in an absent or disrupted protein product. Loss-of-function variants in SUMF1 are known to be pathogenic (PMID: 12757705, 12757706, 25885655).

Literature cited by the submitters: PubMed 12757705; PubMed 12757706; PubMed 25885655.

NM_182760.4(SUMF1):c.572del (p.Pro191fs)

Gene: SUMF1 (sulfatase modifying factor 1; minus strand). Cytogenetic location: 3p26.1.
Variant type: Deletion.
Coding change: c.572del on transcript NM_182760.4 (MANE Select); coding-DNA position 572, one base deleted (C; older notation c.572delC).
Protein change: p.Pro191fs; shifts the reading frame from proline 191.
Molecular consequence: frameshift variant.
Genome position (GRCh38, 1-based): chr3:4,420,094, G deleted on the plus strand (C on the coding strand, the reverse complement: SUMF1 is on the minus strand); the first of 3 consecutive G bases (chr3:4,420,094-4,420,096); deleting any one gives the same sequence. VCF-style (leftmost placement, unchanged base first): chr3-4420093-TG-T. GRCh37 (hg19) VCF-style: chr3-4461777-TG-T.
Other names: c.497del, p.Pro166fs (NM_001164674.2); c.572del, p.Pro191fs (NM_001164675.2); short protein forms P191fs, P166fs.
Identifiers: ClinVar variation 2066505 (VCV002066505.4), dbSNP rs2469868272, ClinGen allele CA2580069177.
Genomic context (GRCh38, chr3:4,420,093, plus strand): 5'-TGTCAACTGGGGAAAGAGGGACCAGCCTCACCTGTGCAGAATAGTAGAGTCAGGCCCTTC[TG>T]GGTGTCTCCAGTTAGCGCCTTTCACAGGTAACCACCAGGGAGCAGCTGCAACCTCAAAGC-3'